The following is an entry in ClinVar:

ClinVar aggregate classification (germline): Uncertain significance (1 of 4 stars; one submission).

Conditions:
Tuberous sclerosis 2 (TSC2). Identifiers: Orphanet 805, MedGen C1860707, MONDO:0013199, OMIM 613254.

Submission:

Labcorp Genetics (formerly Invitae), Labcorp
Classification: Uncertain significance for Tuberous sclerosis 2. Last evaluated: 2022-08-02. Review status: criteria provided, single submitter. Criteria: Invitae Variant Classification Sherloc (09022015). Collection method: clinical testing. Allele origin: germline.
Comment: This sequence change replaces leucine, which is neutral and non-polar, with valine, which is neutral and non-polar, at codon 568 of the TSC2 protein (p.Leu568Val). In summary, the available evidence is currently insufficient to determine the role of this variant in disease. Therefore, it has been classified as a Variant of Uncertain Significance. Advanced modeling of protein sequence and biophysical properties (such as structural, functional, and spatial information, amino acid conservation, physicochemical variation, residue mobility, and thermodynamic stability) performed at Invitae indicates that this missense variant is not expected to disrupt TSC2 protein function. This variant has not been reported in the literature in individuals affected with TSC2-related conditions. This variant is not present in population databases (gnomAD no frequency).

NM_000548.5(TSC2):c.1702C>G (p.Leu568Val)

Gene: TSC2 (TSC complex subunit 2; plus strand). Cytogenetic location: 16p13.3.
Variant type: single nucleotide variant.
Coding change: c.1702C>G on transcript NM_000548.5 (MANE Select); coding-DNA position 1702, C replaced by G.
Protein change: p.Leu568Val; replaces leucine 568 with valine.
Molecular consequence: missense variant.
Genome position (GRCh38, 1-based): chr16:2,065,621, C>G. VCF-style: chr16-2065621-C-G. GRCh37 (hg19) VCF-style: chr16-2115622-C-G.
Other names: c.1591C>G, p.Leu531Val (NM_001406678.1, NM_001318827.2, NM_001406670.1); c.358C>G, p.Leu120Val (NM_001406695.1, NM_001406693.1, NM_001406694.1 and 6 more transcripts); c.1555C>G, p.Leu519Val (NM_001406679.1, NM_001406675.1, NM_001406676.1 and 1 more transcripts); c.100C>G, p.Leu34Val (NM_001406698.1); c.1702C>G, p.Leu568Val (NM_021055.3, NM_001077183.3, NM_001114382.3 and 6 more transcripts); c.1792C>G, p.Leu598Val (NM_001406668.1, NM_001406667.1); c.1690C>G, p.Leu564Val (NM_001406671.1, NM_001406673.1); c.1645C>G, p.Leu549Val (NM_001406677.1); and 3 more; short protein forms L120V, L34V, L368V, L414V, L519V, L531V, L549V, L564V.
Identifiers: ClinVar variation 1714858 (VCV001714858.5), dbSNP rs778399398, ClinGen allele CA394270662.